The following is an entry in ClinVar:

NM_004958.4(MTOR):c.4415A>G (p.Asp1472Gly)

Gene: MTOR (mechanistic target of rapamycin kinase; minus strand). Cytogenetic location: 1p36.22.
Variant type: single nucleotide variant.
Coding change: c.4415A>G on transcript NM_004958.4 (MANE Select); coding-DNA position 4415, A replaced by G.
Protein change: p.Asp1472Gly; replaces aspartic acid 1472 with glycine.
Molecular consequence: missense variant.
Genome position (GRCh38, 1-based): chr1:11,157,206, T>C on the plus strand (A>G on the coding strand, the complement: MTOR is on the minus strand). VCF-style: chr1-11157206-T-C. GRCh37 (hg19) VCF-style: chr1-11217263-T-C.
Other names: c.4415A>G, p.Asp1472Gly (NM_001386500.1); c.3167A>G, p.Asp1056Gly (NM_001386501.1); short protein forms D1472G, D1056G.
Identifiers: ClinVar variation 1404746 (VCV001404746.5), dbSNP rs779868861, ClinGen allele CA589648.

ClinVar aggregate classification (germline): Uncertain significance. Review status: criteria provided, multiple submitters, no conflicts (2 of 4 stars). 2 submissions from 2 submitters: Uncertain significance (2). Last evaluated 2025-08-31.

Allele frequency attached by ClinVar (database versions not stated): ExAC 0.00001; gnomAD exomes below 0.00001.
gnomAD v4.1: 2 of 1,614,082 alleles (0.00012%); highest among the groups gnomAD compares: Admixed American, 0.0017%; no homozygotes.

Submissions (2):

Labcorp Genetics (formerly Invitae), Labcorp
Classification: Uncertain significance. Last evaluated: 2025-08-31. Review status: criteria provided, single submitter. Criteria: Invitae Variant Classification Sherloc (09022015). Collection method: clinical testing. Allele origin: germline.
Comment: This sequence change replaces aspartic acid, which is acidic and polar, with glycine, which is neutral and non-polar, at codon 1472 of the MTOR protein (p.Asp1472Gly). This variant is present in population databases (rs779868861, gnomAD 0.003%). This variant has not been reported in the literature in individuals affected with MTOR-related conditions. ClinVar contains an entry for this variant (Variation ID: 1404746). Invitae Evidence Modeling of protein sequence and biophysical properties (such as structural, functional, and spatial information, amino acid conservation, physicochemical variation, residue mobility, and thermodynamic stability) indicates that this missense variant is not expected to disrupt MTOR protein function with a negative predictive value of 95%. In summary, the available evidence is currently insufficient to determine the role of this variant in disease. Therefore, it has been classified as a Variant of Uncertain Significance.

GeneDx
Classification: Uncertain significance. Last evaluated: 2021-11-17. Review status: criteria provided, single submitter. Criteria: GeneDx Variant Classification Process June 2021. Collection method: clinical testing. Allele origin: germline. Affected: yes.
Comment: In silico analysis supports that this missense variant has a deleterious effect on protein structure/function; Has not been previously published as pathogenic or benign to our knowledge